The following is an entry in ClinVar:

ClinVar aggregate classification (germline): Uncertain significance (1 of 4 stars; one submission).

Conditions:
Inborn genetic diseases. Identifiers: MedGen C0950123, MeSH D030342.

Allele frequency attached by ClinVar (database versions not stated): TOPMed below 0.00001.

Submission:

Ambry Genetics
Classification: Uncertain significance for Inborn genetic diseases. Last evaluated: 2023-06-24. Review status: criteria provided, single submitter. Criteria: Ambry Variant Classification Scheme 2023. Collection method: clinical testing. Allele origin: germline.
Comment: The p.G27R variant (also known as c.79G>A), located in coding exon 1 of the ACD gene, results from a G to A substitution at nucleotide position 79. The glycine at codon 27 is replaced by arginine, an amino acid with dissimilar properties. This amino acid position is conserved. In addition, this alteration is predicted to be tolerated by in silico analysis. Since supporting evidence is limited at this time, the clinical significance of this alteration remains unclear.

NM_001082486.1(ACD):c.79G>A (p.Gly27Arg)

Genes: ACD (ACD shelterin complex subunit and telomerase recruitment factor; minus strand), LOC130059224 (ATAC-STARR-seq lymphoblastoid silent region 7617; plus strand). Cytogenetic location: 16q22.1.
Variant type: single nucleotide variant.
Coding change: c.79G>A on transcript NM_001082486.1; coding-DNA position 79, G replaced by A.
Protein change: p.Gly27Arg; replaces glycine 27 with arginine.
Genome position (GRCh38, 1-based): chr16:67,660,400, C>T on the plus strand (G>A on the coding strand, the complement: ACD is on the minus strand). VCF-style: chr16-67660400-C-T. GRCh37 (hg19) VCF-style: chr16-67694303-C-T.
Other names: short protein forms G27R.
Identifiers: ClinVar variation 2624830 (VCV002624830.2), dbSNP rs2052987449, ClinGen allele CA396359897.
Genomic context (GRCh38, chr16:67,660,400, plus strand): 5'-CACGTACACCCCGCGCCTGCGCACGAGGGCGTCCTGCTCGGGGGCCTGTGTGCAGACTCC[C>T]GCTGGTCCACCCCGCTGGTGCACGGGATGCTGGCCCGTTTACTCTCATCGCGGCGTCACT-3'